The following is an entry in ClinVar:

ClinVar aggregate classification (germline): Uncertain significance (1 of 4 stars; one submission).

Conditions:
Cardiovascular phenotype. Identifiers: MedGen CN230736.

gnomAD v4.1: 1 of 1,248,668 alleles (0.00008%); highest among the groups gnomAD compares: Non-Finnish European, 0.00011%; no homozygotes.

Submission:

Ambry Genetics
Classification: Uncertain significance for Cardiovascular phenotype. Last evaluated: 2025-05-02. Review status: criteria provided, single submitter. Criteria: Ambry Variant Classification Scheme 2023. Collection method: clinical testing. Allele origin: germline.
Comment: The p.P154T variant (also known as c.460C>A), located in coding exon 5 of the TRDN gene, results from a C to A substitution at nucleotide position 460. The proline at codon 154 is replaced by threonine, an amino acid with highly similar properties. This amino acid position is conserved. In addition, this alteration is predicted to be tolerated by in silico analysis. Based on the available evidence, the clinical significance of this variant remains unclear.

NM_006073.4(TRDN):c.460C>A (p.Pro154Thr)

Gene: TRDN (triadin; minus strand). Cytogenetic location: 6q22.31.
Variant type: single nucleotide variant.
Coding change: c.460C>A on transcript NM_006073.4 (MANE Select); coding-DNA position 460, C replaced by A.
Protein change: p.Pro154Thr; replaces proline 154 with threonine.
Molecular consequence: missense variant.
Genome position (GRCh38, 1-based): chr6:123,530,530, G>T on the plus strand (C>A on the coding strand, the complement: TRDN is on the minus strand). VCF-style: chr6-123530530-G-T. GRCh37 (hg19) VCF-style: chr6-123851675-G-T.
Other names: c.460C>A, p.Pro154Thr (NM_001251987.2, NM_001256020.2, NM_001256021.2 and 2 more transcripts); short protein forms P154T.
Identifiers: ClinVar variation 3973120 (VCV003973120.1).